The following is an entry in ClinVar:

ClinVar aggregate classification (germline): Conflicting classifications of pathogenicity. Review status: criteria provided, conflicting classifications (1 of 4 stars). 6 submissions from 6 submitters: Uncertain significance (5); Likely benign (1). Last evaluated 2026-05-27.

Conditions:
COL11A1-related disorder. Also called: COL11A1-related disorders; COL11A1-related condition.
Fibrochondrogenesis 1 (FBCG1). Identifiers: Orphanet 2021, MedGen C3278138, MONDO:0009226, OMIM 228520.
Marshall syndrome (MRSHS). Identifiers: Orphanet 560, MedGen C0265235, MONDO:0007949, OMIM 154780.
Hearing loss, autosomal dominant 37. Also called: DEAFNESS, AUTOSOMAL DOMINANT 37. Identifiers: MedGen C4760307, MONDO:0032802, OMIM 618533.
Intervertebral disc disorder (IDD). Also called: INTERVERTEBRAL DISC DISEASE; Lumbar disk degenerative disorder. Identifiers: MedGen C0158252, MONDO:0044339, OMIM 603932.
Stickler syndrome type 2 (STL2). Also called: STICKLER SYNDROME, TYPE II; STICKLER SYNDROME, BEADED VITREOUS TYPE; STICKLER SYNDROME, VITREOUS TYPE 2; COL11A1-Related Stickler Syndrome. Identifiers: Orphanet 828, Orphanet 90654, MedGen C1858084, MONDO:0011493, OMIM 604841.

Allele frequency attached by ClinVar (database versions not stated): gnomAD 0.00004 and 0.00006; TOPMed 0.00007; ExAC 0.00009; gnomAD exomes 0.00010 and 0.00014; ESP Exome Variant Server 0.00015.
gnomAD v4.1: 216 of 1,611,606 alleles (0.013%); highest among the groups gnomAD compares: Middle Eastern, 0.46%; 1 homozygote.

Submissions (6):

PreventionGenetics, part of Exact Sciences
Classification: Uncertain significance for COL11A1-related condition. Last evaluated: 2026-05-27. Review status: criteria provided, single submitter. Criteria: ACMG Guidelines, 2015. Collection method: clinical testing. Allele origin: germline.
Comment: The COL11A1 c.2241+6T>C variant is predicted to interfere with splicing. This variant is predicted to impact splicing based on available splicing prediction programs (SpliceAI, Jaganathan et al. 2019. PubMed ID: 30661751). To our knowledge, this variant has not been reported in the literature. This variant is reported in 0.036% of alleles in individuals of South Asian descent in gnomAD. At this time, the clinical significance of this variant is uncertain due to the absence of conclusive functional and genetic evidence.

GeneDx
Classification: Uncertain significance. Last evaluated: 2025-11-07. Review status: criteria provided, single submitter. Criteria: GeneDx Variant Classification Process June 2021. Collection method: clinical testing. Allele origin: germline. Affected: yes.
Comment: Has not been previously published as pathogenic or benign to our knowledge; In silico analysis is inconclusive as to whether the variant alters gene splicing. In the absence of RNA/functional studies, the actual effect of this sequence change is unknown.

Labcorp Genetics (formerly Invitae), Labcorp
Classification: Uncertain significance. Last evaluated: 2025-11-02. Review status: criteria provided, single submitter. Criteria: Invitae Variant Classification Sherloc (09022015). Collection method: clinical testing. Allele origin: germline.
Comment: This sequence change falls in intron 26 of the COL11A1 gene. It does not directly change the encoded amino acid sequence of the COL11A1 protein. It affects a nucleotide within the consensus splice site. This variant is present in population databases (rs374197371, gnomAD 0.04%). This variant has not been reported in the literature in individuals affected with COL11A1-related conditions. ClinVar contains an entry for this variant (Variation ID: 281428). Variants that disrupt the consensus splice site are a relatively common cause of aberrant splicing (PMID: 17576681, 9536098). Algorithms developed to predict the effect of sequence changes on RNA splicing suggest that this variant may disrupt the consensus splice site. In summary, the available evidence is currently insufficient to determine the role of this variant in disease. Therefore, it has been classified as a Variant of Uncertain Significance.

Blueprint Genetics
Classification: Likely benign. Last evaluated: 2024-10-16. Review status: criteria provided, single submitter. Criteria: ACMG Guidelines, 2015. Collection method: clinical testing. Allele origin: germline.

Fulgent Genetics
Classification: Uncertain significance for Marshall syndrome; Fibrochondrogenesis 1; Intervertebral disc disorder; Stickler syndrome type 2; Hearing loss, autosomal dominant 37. Last evaluated: 2021-12-30. Review status: criteria provided, single submitter. Criteria: ACMG Guidelines, 2015. Collection method: clinical testing. Allele origin: unknown.

Eurofins Ntd Llc (ga)
Classification: Uncertain significance. Last evaluated: 2018-01-24. Review status: criteria provided, single submitter. Criteria: EGL Classification Definitions 2015. Collection method: clinical testing. Allele origin: germline. Observed: 3 variant alleles, 3 heterozygotes.

Literature cited by the submitters: PubMed 17576681 (cited by Labcorp Genetics (formerly Invitae), Labcorp); PubMed 9536098 (cited by Labcorp Genetics (formerly Invitae), Labcorp).

NM_001854.4(COL11A1):c.2241+6T>C

Gene: COL11A1 (collagen type XI alpha 1 chain; minus strand). Cytogenetic location: 1p21.1.
Variant type: single nucleotide variant.
Coding change: c.2241+6T>C on transcript NM_001854.4 (MANE Select); 6 bases into the intron after coding-DNA position 2241, T replaced by C.
Molecular consequence: intron variant.
Genome position (GRCh38, 1-based): chr1:102,997,074, A>G on the plus strand (T>C on the coding strand, the complement: COL11A1 is on the minus strand). VCF-style: chr1-102997074-A-G. GRCh37 (hg19) VCF-style: chr1-103462630-A-G.
Other names: c.2241+6T>C (NM_001854.3); c.2124+6T>C (NM_001190709.2); c.2277+6T>C (NM_080629.3); c.1893+6T>C (NM_080630.4).
Identifiers: ClinVar variation 281428 (VCV000281428.21), dbSNP rs374197371, ClinGen allele CA974535.
Genomic context (GRCh38, chr1:102,997,074, plus strand): 5'-CAAATTAAGGCATTTTCTCTTGGAAATTTATTAATAGGACATTTAAATGGATACTTTGGA[A>G]CCTACCAGAGCCCCCTTTTCTCCAGACTGGCCTTCTTTCCCAGGATGACCCTATATTTAG-3'